The following is an entry in ClinVar:

ClinVar aggregate classification (germline): Uncertain significance. Review status: criteria provided, multiple submitters, no conflicts (2 of 4 stars). 2 submissions from 2 submitters: Uncertain significance (2). Last evaluated 2021-12-07.

Conditions:
Spermatogenic failure 30. Identifiers: MedGen C4748224, MONDO:0020851, OMIM 618110.

Allele frequency attached by ClinVar (database versions not stated): TOPMed below 0.00001; gnomAD 0.00002; ExAC 0.00005.

Submissions (2):

Ambry Genetics
Classification: Uncertain significance. Last evaluated: 2021-12-07. Review status: criteria provided, single submitter. Criteria: Ambry Variant Classification Scheme 2023. Collection method: clinical testing. Allele origin: germline.

Baylor Genetics
Classification: Uncertain significance for Spermatogenic failure 30. Last evaluated: 2020-05-05. Review status: criteria provided, single submitter. Criteria: ACMG Guidelines, 2015. Collection method: clinical testing. Allele origin: unknown. Affected: yes.
Comment: This variant was determined to be of uncertain significance according to ACMG Guidelines, 2015 [PMID:25741868].

NM_153046.3(TDRD9):c.448G>A (p.Val150Met)

Gene: TDRD9 (tudor domain containing 9; plus strand). Cytogenetic location: 14q32.33.
Variant type: single nucleotide variant.
Coding change: c.448G>A on transcript NM_153046.3 (MANE Select); coding-DNA position 448, G replaced by A.
Protein change: p.Val150Met; replaces valine 150 with methionine.
Molecular consequence: missense variant.
Genome position (GRCh38, 1-based): chr14:103,965,360, G>A. VCF-style: chr14-103965360-G-A. GRCh37 (hg19) VCF-style: chr14-104431697-G-A.
Other names: short protein forms V150M.
Identifiers: ClinVar variation 1027805 (VCV001027805.3), dbSNP rs752708200, ClinGen allele CA7368236.